The following is an entry in ClinVar:

NM_020831.6(MRTFA):c.2045C>G (p.Ser682Cys)

Gene: MRTFA (myocardin related transcription factor A; minus strand). Cytogenetic location: 22q13.1.
Variant type: single nucleotide variant.
Coding change: c.2045C>G on transcript NM_020831.6 (MANE Select); coding-DNA position 2045, C replaced by G.
Protein change: p.Ser682Cys; replaces serine 682 with cysteine.
Molecular consequence: missense variant.
Genome position (GRCh38, 1-based): chr22:40,418,693, G>C on the plus strand (C>G on the coding strand, the complement: MRTFA is on the minus strand). VCF-style: chr22-40418693-G-C. GRCh37 (hg19) VCF-style: chr22-40814697-G-C.
Other names: c.1745C>G, p.Ser582Cys (NM_001282660.2); c.1895C>G, p.Ser632Cys (NM_001282661.3); c.2045C>G, p.Ser682Cys (NM_001282662.3); c.1850C>G, p.Ser617Cys (NM_001318139.2); short protein forms S632C, S582C, S682C, S617C.
Identifiers: ClinVar variation 2698819 (VCV002698819.3), dbSNP rs1316642310, ClinGen allele CA411658642.
Genomic context (GRCh38, chr22:40,418,693, plus strand): 5'-GCCAGGCTGGGGTTGAATGGGTGAGCGGGGCCCAGGGGCTGCTGGCTCAGCTGGCAGCTG[G>C]AGAAGCTGTTCTCCTGCTTCACGGGGGTGCCGAGGGGGGCGGGGGCGGGGGCGGGCTGCT-3'
Protein context (NP_065882.2, residues 672-692): GTPVKQENSF[Ser682Cys]SCQLSQQPLG

ClinVar aggregate classification (germline): Uncertain significance (1 of 4 stars; one submission).

Allele frequency attached by ClinVar (database versions not stated): gnomAD 0.00001.
gnomAD v4.1: 4 of 1,352,240 alleles (0.0003%); highest among the groups gnomAD compares: Admixed American, 0.0027%; no homozygotes.

Submission:

Labcorp Genetics (formerly Invitae), Labcorp
Classification: Uncertain significance. Last evaluated: 2023-11-24. Review status: criteria provided, single submitter. Criteria: Invitae Variant Classification Sherloc (09022015). Collection method: clinical testing. Allele origin: germline.
Comment: This sequence change replaces serine, which is neutral and polar, with cysteine, which is neutral and slightly polar, at codon 582 of the MKL1 protein (p.Ser582Cys). This variant is present in population databases (no rsID available, gnomAD 0.1%). This variant has not been reported in the literature in individuals affected with MKL1-related conditions. An algorithm developed to predict the effect of missense changes on protein structure and function (PolyPhen-2) suggests that this variant is likely to be tolerated. In summary, the available evidence is currently insufficient to determine the role of this variant in disease. Therefore, it has been classified as a Variant of Uncertain Significance.